The following is an entry in ClinVar:

NM_004656.4(BAP1):c.436A>G (p.Arg146Gly)

Gene: BAP1 (BRCA1 associated deubiquitinase 1; minus strand). Cytogenetic location: 3p21.1.
Variant type: single nucleotide variant.
Coding change: c.436A>G on transcript NM_004656.4 (MANE Select); coding-DNA position 436, A replaced by G.
Protein change: p.Arg146Gly; replaces arginine 146 with glycine.
Molecular consequence: missense variant.
Genome position (GRCh38, 1-based): chr3:52,407,400, T>C on the plus strand (A>G on the coding strand, the complement: BAP1 is on the minus strand). VCF-style: chr3-52407400-T-C. GRCh37 (hg19) VCF-style: chr3-52441416-T-C.
Other names: c.436A>G (NM_004656.2); short protein forms R146G.
Identifiers: ClinVar variation 1500485 (VCV001500485.9), dbSNP rs2153227932, ClinGen allele CA353110665.

ClinVar aggregate classification (germline): Uncertain significance. Review status: criteria provided, multiple submitters, no conflicts (2 of 4 stars). 2 submissions from 2 submitters: Uncertain significance (2). Last evaluated 2023-09-28.

Conditions:
Hereditary cancer-predisposing syndrome. Also called: Tumor predisposition; Hereditary neoplastic syndrome; Neoplastic Syndromes, Hereditary; Hereditary Cancer Syndrome. Identifiers: Orphanet 140162, MedGen C0027672, MeSH D009386, MONDO:0015356.
BAP1-related tumor predisposition syndrome (TPDS1). Also called: BAP1 tumor predisposition syndrome; Tumor susceptibility linked to germline BAP1 mutations; COMMON Syndrome; TUMOR PREDISPOSITION SYNDROME 1. Identifiers: Orphanet 289539, MedGen C3280492, MONDO:0013692, OMIM 614327.

Submissions (2):

Ambry Genetics
Classification: Uncertain significance for Hereditary cancer-predisposing syndrome. Last evaluated: 2023-09-28. Review status: criteria provided, single submitter. Criteria: Ambry Variant Classification Scheme 2023. Collection method: clinical testing. Allele origin: germline.
Comment: The c.436A>G variant (also known as p.R146G), located in coding exon 6 of the BAP1 gene, results from an A to G substitution at nucleotide position 436. The arginine at codon 146 is replaced by glycine, an amino acid with dissimilar properties. This amino acid position is well conserved in available vertebrate species. In addition, the in silico prediction for this alteration is inconclusive. This nucleotide position is well conserved in available vertebrate species. In silico splice site analysis for this alteration is inconclusive. RNA studies have demonstrated that this alteration results in an incomplete splice defect; the clinical impact of this abnormal splicing is unknown at this time (Ambry internal data). Since supporting evidence is limited at this time, the clinical significance of this alteration remains unclear.

Labcorp Genetics (formerly Invitae), Labcorp
Classification: Uncertain significance for BAP1-related tumor predisposition syndrome. Last evaluated: 2021-06-21. Review status: criteria provided, single submitter. Criteria: Invitae Variant Classification Sherloc (09022015). Collection method: clinical testing. Allele origin: germline.
Comment: This sequence change replaces arginine with glycine at codon 146 of the BAP1 protein (p.Arg146Gly). The arginine residue is highly conserved and there is a moderate physicochemical difference between arginine and glycine. This variant is not present in population databases (ExAC no frequency). This variant has not been reported in the literature in individuals with BAP1-related conditions. Algorithms developed to predict the effect of missense changes on protein structure and function are either unavailable or do not agree on the potential impact of this missense change (SIFT: "Deleterious"; PolyPhen-2: "Probably Damaging"; Align-GVGD: "Class C15"). Algorithms developed to predict the effect of sequence changes on RNA splicing suggest that this variant may disrupt the consensus splice site, but this prediction has not been confirmed by published transcriptional studies. In summary, the available evidence is currently insufficient to determine the role of this variant in disease. Therefore, it has been classified as a Variant of Uncertain Significance.